The following is an entry in ClinVar:

ClinVar aggregate classification (germline): Uncertain significance (1 of 4 stars; one submission).

gnomAD v4.1: 1 of 1,598,834 alleles (0.000063%); highest among the groups gnomAD compares: Admixed American, 0.0017%; no homozygotes.

Submission:

Labcorp Genetics (formerly Invitae), Labcorp
Classification: Uncertain significance. Last evaluated: 2024-07-23. Review status: criteria provided, single submitter. Criteria: Invitae Variant Classification Sherloc (09022015). Collection method: clinical testing. Allele origin: germline.
Comment: This sequence change replaces alanine, which is neutral and non-polar, with threonine, which is neutral and polar, at codon 272 of the CHD8 protein (p.Ala272Thr). This variant is not present in population databases (gnomAD no frequency). This variant has not been reported in the literature in individuals affected with CHD8-related conditions. An algorithm developed to predict the effect of missense changes on protein structure and function (PolyPhen-2) suggests that this variant is likely to be tolerated. In summary, the available evidence is currently insufficient to determine the role of this variant in disease. Therefore, it has been classified as a Variant of Uncertain Significance.

NM_001170629.2(CHD8):c.814G>A (p.Ala272Thr)

Gene: CHD8 (chromodomain helicase DNA binding protein 8; minus strand). Cytogenetic location: 14q11.2.
Variant type: single nucleotide variant.
Coding change: c.814G>A on transcript NM_001170629.2 (MANE Select); coding-DNA position 814, G replaced by A.
Protein change: p.Ala272Thr; replaces alanine 272 with threonine.
Molecular consequence: missense variant. On other transcripts: intron variant (1).
Genome position (GRCh38, 1-based): chr14:21,430,830, C>T on the plus strand (G>A on the coding strand, the complement: CHD8 is on the minus strand). VCF-style: chr14-21430830-C-T. GRCh37 (hg19) VCF-style: chr14-21898989-C-T.
Other names: c.6+981G>A (NM_020920.4); short protein forms A272T.
Identifiers: ClinVar variation 3659172 (VCV003659172.2).
Genomic context (GRCh38, chr14:21,430,830, plus strand): 5'-AAAATTCACCTCCCCCTTTCACTCAAGTCACCTGGGTAGGTGTAGAGGTCAGTGTAACTG[C>T]AGGCTTCAGTGGGGGCCCTGTGGCCCCAGGGTTTCCAGCAGGAGCTGAACCCTTAACTGG-3'
Protein context (NP_001164100.1, residues 262-282): PGATGPPLKP[Ala272Thr]VTLTSTPTQG